The following is an entry in ClinVar:

NM_133636.5(HELQ):c.2325T>C (p.His775=)

Gene: HELQ (helicase, POLQ like; minus strand). Cytogenetic location: 4q21.23.
Variant type: single nucleotide variant.
Coding change: c.2325T>C on transcript NM_133636.5 (MANE Select); coding-DNA position 2325, T replaced by C.
Protein change: p.His775=; no amino-acid change (histidine 775 retained).
Molecular consequence: synonymous variant.
Genome position (GRCh38, 1-based): chr4:83,429,717, A>G on the plus strand (T>C on the coding strand, the complement: HELQ is on the minus strand). VCF-style: chr4-83429717-A-G. GRCh37 (hg19) VCF-style: chr4-84350870-A-G.
Other names: c.2124T>C, p.His708= (NM_001297755.2); c.834T>C, p.His278= (NM_001297756.2); c.693T>C, p.His231= (NM_001297757.2).
Identifiers: ClinVar variation 3057036 (VCV003057036.2), dbSNP rs59255439, ClinGen allele CA2989498.

ClinVar aggregate classification (germline): Benign (0 of 4 stars; one submission).

Conditions:
HELQ-related disorder. Also called: HELQ-related condition.

Allele frequency attached by ClinVar (database versions not stated): gnomAD exomes 0.00883; ExAC 0.03171; gnomAD 0.09061; 1000 Genomes Project 0.09924; TOPMed 0.10237; ESP Exome Variant Server 0.10511; 1000 Genomes Project 30x 0.10946.
gnomAD v4.1: 27,277 of 1,612,388 alleles (1.7%); highest among the groups gnomAD compares: African/African-American, 32%; 3,894 homozygotes.

Submission:

PreventionGenetics, part of Exact Sciences
Classification: Benign for HELQ-related condition. Last evaluated: 2019-11-14. Review status: no assertion criteria provided. Collection method: clinical testing. Allele origin: germline.
Comment: This variant is classified as benign based on ACMG/AMP sequence variant interpretation guidelines (Richards et al. 2015 PMID: 25741868, with internal and published modifications).